The following is an entry in ClinVar:

ClinVar aggregate classification (germline): Conflicting classifications of pathogenicity. Review status: criteria provided, conflicting classifications (1 of 4 stars). 3 submissions from 3 submitters: Uncertain significance (2); Likely benign (1). Last evaluated 2026-03-12.

Conditions:
Hereditary cancer-predisposing syndrome. Also called: Tumor predisposition; Hereditary neoplastic syndrome; Hereditary Cancer Syndrome; Neoplastic Syndromes, Hereditary. Identifiers: Orphanet 140162, MedGen C0027672, MeSH D009386, MONDO:0015356.
TSC1-related disorder. Also called: TSC1-related condition.
Tuberous sclerosis 1 (TSC1). Identifiers: Orphanet 805, MedGen C1854465, MONDO:0008612, OMIM 191100.

Allele frequency attached by ClinVar (database versions not stated): gnomAD exomes 0.00001.
gnomAD v4.1: 5 of 1,593,162 alleles (0.00031%); highest among the groups gnomAD compares: Non-Finnish European, 0.00043%; no homozygotes.

Submissions (3):

PreventionGenetics, part of Exact Sciences
Classification: Uncertain significance for TSC1-related condition. Last evaluated: 2026-03-12. Review status: criteria provided, single submitter. Criteria: ACMG Guidelines, 2015. Collection method: clinical testing. Allele origin: germline.
Comment: The TSC1 c.2707G>C variant is predicted to result in the amino acid substitution p.Asp903His. To our knowledge, this variant has not been reported in the literature. This variant is reported in 0.00088% of alleles in individuals of European (Non-Finnish) descent in gnomAD. At this time, the clinical significance of this variant is uncertain due to the absence of conclusive functional and genetic evidence.

Labcorp Genetics (formerly Invitae), Labcorp
Classification: Likely benign for Tuberous sclerosis 1. Last evaluated: 2025-02-18. Review status: criteria provided, single submitter. Criteria: Invitae Variant Classification Sherloc (09022015). Collection method: clinical testing. Allele origin: germline.

Ambry Genetics
Classification: Uncertain significance for Hereditary cancer-predisposing syndrome. Last evaluated: 2024-11-26. Review status: criteria provided, single submitter. Criteria: Ambry Variant Classification Scheme 2023. Collection method: clinical testing. Allele origin: germline.
Comment: The p.D903H variant (also known as c.2707G>C), located in coding exon 19 of the TSC1 gene, results from a G to C substitution at nucleotide position 2707. The aspartic acid at codon 903 is replaced by histidine, an amino acid with similar properties. This amino acid position is not well conserved in available vertebrate species. In addition, the in silico prediction for this alteration is inconclusive. Based on the available evidence, the clinical significance of this variant remains unclear.

NM_000368.5(TSC1):c.2707G>C (p.Asp903His)

Gene: TSC1 (TSC complex subunit 1; minus strand). Cytogenetic location: 9q34.13.
Variant type: single nucleotide variant.
Coding change: c.2707G>C on transcript NM_000368.5 (MANE Select); coding-DNA position 2707, G replaced by C.
Protein change: p.Asp903His; replaces aspartic acid 903 with histidine.
Molecular consequence: missense variant.
Genome position (GRCh38, 1-based): chr9:132,897,529, C>G on the plus strand (G>C on the coding strand, the complement: TSC1 is on the minus strand). VCF-style: chr9-132897529-C-G. GRCh37 (hg19) VCF-style: chr9-135772916-C-G.
Other names: c.2704G>C, p.Asp902His (NM_001162426.2, NM_001406600.1, NM_001406597.1 and 2 more transcripts); c.2554G>C, p.Asp852His (NM_001162427.2, NM_001406610.1); c.2692G>C, p.Asp898His (NM_001406601.1, NM_001406602.1); c.2689G>C, p.Asp897His (NM_001406603.1, NM_001406604.1); c.2665G>C, p.Asp889His (NM_001406605.1, NM_001406606.1, NM_001406607.1); c.2662G>C, p.Asp888His (NM_001406608.1, NM_001406609.1); c.2344G>C, p.Asp782His (NM_001406619.1, NM_001362177.2, NM_001406614.1 and 4 more transcripts); c.2341G>C, p.Asp781His (NM_001406620.1, NM_001406621.1, NM_001406622.1 and 1 more transcripts); and 8 more; short protein forms D586H, D768H, D851H, D852H, D897H, D552H, D781H, D782H.
Identifiers: ClinVar variation 1795000 (VCV001795000.9), dbSNP rs1229582901, ClinGen allele CA375369400.